The following is an entry in ClinVar:

NM_015261.3(NCAPD3):c.778C>G (p.His260Asp)

Gene: NCAPD3 (non-SMC condensin II complex subunit D3; minus strand). Cytogenetic location: 11q25.
Variant type: single nucleotide variant.
Coding change: c.778C>G on transcript NM_015261.3 (MANE Select); coding-DNA position 778, C replaced by G.
Protein change: p.His260Asp; replaces histidine 260 with aspartic acid.
Molecular consequence: missense variant.
Genome position (GRCh38, 1-based): chr11:134,209,161, G>C on the plus strand (C>G on the coding strand, the complement: NCAPD3 is on the minus strand). VCF-style: chr11-134209161-G-C. GRCh37 (hg19) VCF-style: chr11-134079055-G-C.
Other names: NC_000011.9:g.134079055G>C; c.778C>G, p.His260Asp (NM_001372065.1, NM_001372068.1); c.364C>G, p.His122Asp (NM_001372069.1, NM_001372070.1); short protein forms H122D, H260D.
Identifiers: ClinVar variation 3357772 (VCV003357772.2).
Genomic context (GRCh38, chr11:134,209,161, plus strand): 5'-TACACTATACTTAAATTGTAGCACTGGAAGATTTAATGGCTCACCTGGCTTGTGTAACAT[G>C]ACATTCATGAAGAACTGGCTCAAAATTAGTTAATGAAACAAAGACCTAGAAAACAGATAT-3'
Protein context (NP_056076.1, residues 250-270): TNFEPVLHEC[His260Asp]VTQARALNQA

ClinVar aggregate classification (germline): Likely benign (0 of 4 stars; one submission).

Conditions:
NCAPD3-related disorder. Also called: NCAPD3-related condition.

gnomAD v4.1: 209 of 1,613,446 alleles (0.013%); highest among the groups gnomAD compares: East Asian, 0.45%; 2 homozygotes.

Submissions (2):

PreventionGenetics, part of Exact Sciences
Classification: Likely benign for NCAPD3-related condition. Last evaluated: 2024-03-24. Review status: no assertion criteria provided. Collection method: clinical testing. Allele origin: germline.
Comment: This variant is classified as likely benign based on ACMG/AMP sequence variant interpretation guidelines (Richards et al. 2015 PMID: 25741868, with internal and published modifications).

Dr. Peter K. Rogan Lab, Western University
No classification provided (evidence only). Condition: Nonpapillary renal cell carcinoma. Review status: no classification provided. Collection method: in vitro. Allele origin: not applicable. Functional consequence: skipped exon, retained intron. Not counted in ClinVar's aggregate classification.